The following is an entry in ClinVar:

ClinVar aggregate classification (germline): Conflicting classifications of pathogenicity. Review status: criteria provided, conflicting classifications (1 of 4 stars). 6 submissions from 6 submitters: Uncertain significance (5); Likely benign (1). Last evaluated 2026-02-01.

Conditions:
Cardiovascular phenotype. Identifiers: MedGen CN230736.
Arrhythmogenic right ventricular dysplasia 12. Also called: ARRHYTHMOGENIC RIGHT VENTRICULAR DYSPLASIA, FAMILIAL, 12. Identifiers: MedGen C1969081, MONDO:0012684, OMIM 611528.
Naxos disease (NXD). Also called: KERATOSIS PALMOPLANTARIS WITH ARRHYTHMOGENIC CARDIOMYOPATHY; MAL DE NAXOS; PALMOPLANTAR KERATODERMA WITH ARRHYTHMOGENIC RIGHT VENTRICULAR CARDIOMYOPATHY AND WOOLLY HAIR; WOOLLY HAIR, PALMOPLANTAR KERATODERMA, AND CARDIAC ABNORMALITIES; CARDIOMYOPATHY, ARRHYTHMOGENIC RIGHT VENTRICULAR, WITH SKIN, HAIR, AND NAIL ABNORMALITIES. Identifiers: Orphanet 34217, MedGen C1832600, MONDO:0011017, OMIM 601214.

Allele frequency attached by ClinVar (database versions not stated): ExAC 0.00004; TOPMed 0.00006.
gnomAD v4.1: 71 of 1,613,926 alleles (0.0044%); highest among the groups gnomAD compares: Middle Eastern, 0.016%; no homozygotes.

Submissions (6):

Labcorp Genetics (formerly Invitae), Labcorp
Classification: Uncertain significance for Arrhythmogenic right ventricular dysplasia 12; Naxos disease. Last evaluated: 2026-02-01. Review status: criteria provided, single submitter. Criteria: Invitae Variant Classification Sherloc (09022015). Collection method: clinical testing. Allele origin: germline.
Comment: This sequence change replaces arginine, which is basic and polar, with histidine, which is basic and polar, at codon 320 of the JUP protein (p.Arg320His). This variant is present in population databases (rs781965392, gnomAD 0.009%). This variant has not been reported in the literature in individuals affected with JUP-related conditions. ClinVar contains an entry for this variant (Variation ID: 409982). An algorithm developed to predict the effect of missense changes on protein structure and function (PolyPhen-2) suggests that this variant is likely to be tolerated. In summary, the available evidence is currently insufficient to determine the role of this variant in disease. Therefore, it has been classified as a Variant of Uncertain Significance.

Molecular Diagnostic Laboratory for Inherited Cardiovascular Disease, Montreal Heart Institute
Classification: Uncertain significance for Cardiovascular phenotype. Last evaluated: 2025-04-08. Review status: criteria provided, single submitter. Criteria: ACMG Guidelines, 2015. Collection method: clinical testing. Allele origin: germline. Affected: yes.
Comment: PP3

Blueprint Genetics
Classification: Uncertain significance. Last evaluated: 2024-04-22. Review status: criteria provided, single submitter. Criteria: ACMG Guidelines, 2015. Collection method: clinical testing. Allele origin: germline.

GeneDx
Classification: Uncertain significance. Last evaluated: 2023-05-30. Review status: criteria provided, single submitter. Criteria: GeneDx Variant Classification Process June 2021. Collection method: clinical testing. Allele origin: germline. Affected: yes.
Comment: In silico analysis supports that this missense variant has a deleterious effect on protein structure/function; Identified in a patient with a history of cardiac arrest who harbored additional cardiogenetic variants (Tiesmeier et al., 2021); This variant is associated with the following publications: (PMID: 34389451)

Ambry Genetics
Classification: Likely benign for Cardiovascular phenotype. Last evaluated: 2023-05-08. Review status: criteria provided, single submitter. Criteria: Ambry Variant Classification Scheme 2023. Collection method: clinical testing. Allele origin: germline.

Fulgent Genetics
Classification: Uncertain significance for Naxos disease; Arrhythmogenic right ventricular dysplasia 12. Last evaluated: 2021-07-08. Review status: criteria provided, single submitter. Criteria: ACMG Guidelines, 2015. Collection method: clinical testing. Allele origin: unknown.

NM_002230.4(JUP):c.959G>A (p.Arg320His)

Gene: JUP (junction plakoglobin; minus strand). Cytogenetic location: 17q21.2.
Variant type: single nucleotide variant.
Coding change: c.959G>A on transcript NM_002230.4 (MANE Select); coding-DNA position 959, G replaced by A.
Protein change: p.Arg320His; replaces arginine 320 with histidine.
Molecular consequence: missense variant.
Genome position (GRCh38, 1-based): chr17:41,765,018, C>T on the plus strand (G>A on the coding strand, the complement: JUP is on the minus strand). VCF-style: chr17-41765018-C-T. GRCh37 (hg19) VCF-style: chr17-39921270-C-T.
Other names: c.959G>A, p.Arg320His (NM_001352773.2, NM_001352774.2, NM_001352775.2 and 3 more transcripts); short protein forms R320H.
Identifiers: ClinVar variation 409982 (VCV000409982.19), dbSNP rs781965392, ClinGen allele CA8565329.